The following is an entry in ClinVar:

ClinVar aggregate classification (germline): Uncertain significance. Review status: criteria provided, multiple submitters, no conflicts (2 of 4 stars). 2 submissions from 2 submitters: Uncertain significance (2). Last evaluated 2022-04-28.

Conditions:
Hereditary cancer-predisposing syndrome. Also called: Neoplastic Syndromes, Hereditary; Hereditary Cancer Syndrome; Hereditary neoplastic syndrome; Tumor predisposition. Identifiers: Orphanet 140162, MedGen C0027672, MeSH D009386, MONDO:0015356.

Submissions (2):

Labcorp Genetics (formerly Invitae), Labcorp
Classification: Uncertain significance. Last evaluated: 2022-04-28. Review status: criteria provided, single submitter. Criteria: Invitae Variant Classification Sherloc (09022015). Collection method: clinical testing. Allele origin: germline.
Comment: This variant has not been reported in the literature in individuals affected with POLE-related conditions. In summary, the available evidence is currently insufficient to determine the role of this variant in disease. Therefore, it has been classified as a Variant of Uncertain Significance. Algorithms developed to predict the effect of missense changes on protein structure and function are either unavailable or do not agree on the potential impact of this missense change (SIFT: "Deleterious"; PolyPhen-2: "Benign"; Align-GVGD: "Class C15"). ClinVar contains an entry for this variant (Variation ID: 540697). This variant is not present in population databases (gnomAD no frequency). This sequence change replaces glutamine, which is neutral and polar, with leucine, which is neutral and non-polar, at codon 572 of the POLE protein (p.Gln572Leu).

Ambry Genetics
Classification: Uncertain significance for Hereditary cancer-predisposing syndrome. Last evaluated: 2021-12-05. Review status: criteria provided, single submitter. Criteria: Ambry Variant Classification Scheme 2023. Collection method: clinical testing. Allele origin: germline.
Comment: The p.Q572L variant (also known as c.1715A>T), located in coding exon 16 of the POLE gene, results from an A to T substitution at nucleotide position 1715. The glutamine at codon 572 is replaced by leucine, an amino acid with dissimilar properties. This amino acid position is conserved. In addition, this alteration is predicted to be tolerated by in silico analysis. Since supporting evidence is limited at this time, the clinical significance of this alteration remains unclear.

NM_006231.4(POLE):c.1715A>T (p.Gln572Leu)

Gene: POLE (DNA polymerase epsilon, catalytic subunit; minus strand). Cytogenetic location: 12q24.33.
Variant type: single nucleotide variant.
Coding change: c.1715A>T on transcript NM_006231.4 (MANE Select); coding-DNA position 1715, A replaced by T.
Protein change: p.Gln572Leu; replaces glutamine 572 with leucine.
Molecular consequence: missense variant.
Genome position (GRCh38, 1-based): chr12:132,672,294, T>A on the plus strand (A>T on the coding strand, the complement: POLE is on the minus strand). VCF-style: chr12-132672294-T-A. GRCh37 (hg19) VCF-style: chr12-133248880-T-A.
Other names: short protein forms Q572L.
Identifiers: ClinVar variation 540697 (VCV000540697.11), dbSNP rs1555228139, ClinGen allele CA387356369.